The following is an entry in ClinVar:

NM_004836.7(EIF2AK3):c.1791A>G (p.Gln597=)

Gene: EIF2AK3 (eukaryotic translation initiation factor 2 alpha kinase 3; minus strand). Cytogenetic location: 2p11.2.
Variant type: single nucleotide variant.
Coding change: c.1791A>G on transcript NM_004836.7 (MANE Select); coding-DNA position 1791, A replaced by G.
Protein change: p.Gln597=; no amino-acid change (glutamine 597 retained).
Molecular consequence: synonymous variant.
Genome position (GRCh38, 1-based): chr2:88,579,613, T>C on the plus strand (A>G on the coding strand, the complement: EIF2AK3 is on the minus strand). VCF-style: chr2-88579613-T-C. GRCh37 (hg19) VCF-style: chr2-88879131-T-C.
Other names: c.1338A>G, p.Gln446= (NM_001313915.2).
Identifiers: ClinVar variation 128985 (VCV000128985.26), dbSNP rs1805164, ClinGen allele CA152711.

ClinVar aggregate classification (germline): Benign. Review status: criteria provided, multiple submitters, no conflicts (2 of 4 stars). 10 submissions from 10 submitters: Benign (6). 4 of the submissions do not count toward it. Last evaluated 2026-02-04.

Conditions:
Wolcott-Rallison dysplasia. Also called: Wolcott-Rallison syndrome; MED-IDDM SYNDROME. Identifiers: Orphanet 1667, MedGen C0432217, MONDO:0009192, OMIM 226980.

Allele frequency attached by ClinVar (database versions not stated): 1000 Genomes Project 0.25819; 1000 Genomes Project 30x 0.26093; ESP Exome Variant Server 0.27310; gnomAD 0.27810 and 0.28054; TOPMed 0.27912; ExAC 0.28541; gnomAD exomes 0.29122 and 0.29174.
gnomAD v4.1: 467,128 of 1,612,230 alleles (29%); highest among the groups gnomAD compares: Admixed American, 36%; 69,210 homozygotes.

Submissions (10):

Labcorp Genetics (formerly Invitae), Labcorp
Classification: Benign. Last evaluated: 2026-02-04. Review status: criteria provided, single submitter. Criteria: Invitae Variant Classification Sherloc (09022015). Collection method: clinical testing. Allele origin: germline.

Blueprint Genetics
Classification: Benign. Last evaluated: 2024-11-26. Review status: criteria provided, single submitter. Criteria: ACMG Guidelines, 2015. Collection method: clinical testing. Allele origin: germline.

Genome-Nilou Lab
Classification: Benign for Wolcott-Rallison dysplasia. Last evaluated: 2021-07-30. Review status: criteria provided, single submitter. Criteria: ACMG Guidelines, 2015. Collection method: clinical testing. Allele origin: germline. Affected: no.

GeneDx
Classification: Benign. Last evaluated: 2018-11-11. Review status: criteria provided, single submitter. Criteria: GeneDx Variant Classification Process June 2021. Collection method: clinical testing. Allele origin: germline. Affected: yes.

Illumina Laboratory Services, Illumina
Classification: Benign for Wolcott-Rallison dysplasia. Last evaluated: 2018-01-13. Review status: criteria provided, single submitter. Criteria: ICSL Variant Classification Criteria 13 December 2019. Collection method: clinical testing. Allele origin: germline.
Comment: This variant was observed in the ICSL laboratory as part of a predisposition screen in an ostensibly healthy population. It had not been previously curated by ICSL or reported in the Human Gene Mutation Database (HGMD: prior to June 1st, 2018), and was therefore a candidate for classification through an automated scoring system. Utilizing variant allele frequency, disease prevalence and penetrance estimates, and inheritance mode, an automated score was calculated to assess if this variant is too frequent to cause the disease. Based on the score and internal cut-off values, a variant classified as benign is not then subjected to further curation. The score for this variant resulted in a classification of benign for this disease.

Breakthrough Genomics
Classification: Benign. Review status: criteria provided, single submitter. Criteria: ACMG Guidelines, 2015. Collection method: not provided. Allele origin: germline. Inheritance: Autosomal recessive inheritance. Affected: yes.

Clinical Genetics DNA and cytogenetics Diagnostics Lab, Erasmus MC, Erasmus Medical Center
Classification: Benign. Review status: no assertion criteria provided. Collection method: clinical testing. Allele origin: germline. Affected: yes. Study: VKGL Data-share Consensus. Not counted in ClinVar's aggregate classification.

Diagnostic Laboratory, Department of Genetics, University Medical Center Groningen
Classification: Benign for Wolcott-Rallison dysplasia. Review status: no assertion criteria provided. Collection method: clinical testing. Allele origin: germline. Affected: yes. Study: VKGL Data-share Consensus. Not counted in ClinVar's aggregate classification.

Genetic Services Laboratory, University of Chicago
Classification: Likely benign for AllHighlyPenetrant. Review status: no assertion criteria provided. Collection method: clinical testing. Allele origin: germline. Inheritance: Autosomal recessive inheritance. Not counted in ClinVar's aggregate classification.
Comment: Likely benign based on allele frequency in 1000 Genomes Project or ESP global frequency and its presence in a patient with a rare or unrelated disease phenotype. NOT Sanger confirmed.

Genome Diagnostics Laboratory, University Medical Center Utrecht
Classification: Benign. Review status: no assertion criteria provided. Collection method: clinical testing. Allele origin: germline. Affected: yes. Study: VKGL Data-share Consensus. Not counted in ClinVar's aggregate classification.